The following is an entry in ClinVar:

NM_024529.5(CDC73):c.707C>T (p.Thr236Ile)

Gene: CDC73 (cell division cycle 73; plus strand). Cytogenetic location: 1q31.2.
Variant type: single nucleotide variant.
Coding change: c.707C>T on transcript NM_024529.5 (MANE Select); coding-DNA position 707, C replaced by T.
Protein change: p.Thr236Ile; replaces threonine 236 with isoleucine.
Molecular consequence: missense variant.
Genome position (GRCh38, 1-based): chr1:193,142,044, C>T. VCF-style: chr1-193142044-C-T. GRCh37 (hg19) VCF-style: chr1-193111174-C-T.
Other names: short protein forms T236I.
Identifiers: ClinVar variation 2736095 (VCV002736095.3), dbSNP rs2103126462, ClinGen allele CA343962810.

ClinVar aggregate classification (germline): Uncertain significance (1 of 4 stars; one submission).

Conditions:
Parathyroid carcinoma (PRTC). Also called: Parathyroid gland carcinoma; CDC73-Related Parathyroid Carcinoma. Identifiers: Orphanet 143, MedGen C0687150, MONDO:0012004, OMIM 608266, HP:0006780.

Submission:

Labcorp Genetics (formerly Invitae), Labcorp
Classification: Uncertain significance for Parathyroid carcinoma. Last evaluated: 2024-05-18. Review status: criteria provided, single submitter. Criteria: Invitae Variant Classification Sherloc (09022015). Collection method: clinical testing. Allele origin: germline.
Comment: This sequence change replaces threonine, which is neutral and polar, with isoleucine, which is neutral and non-polar, at codon 236 of the CDC73 protein (p.Thr236Ile). This variant is not present in population databases (gnomAD no frequency). This variant has not been reported in the literature in individuals affected with CDC73-related conditions. Advanced modeling of protein sequence and biophysical properties (such as structural, functional, and spatial information, amino acid conservation, physicochemical variation, residue mobility, and thermodynamic stability) performed at Invitae indicates that this missense variant is expected to disrupt CDC73 protein function with a positive predictive value of 80%. In summary, the available evidence is currently insufficient to determine the role of this variant in disease. Therefore, it has been classified as a Variant of Uncertain Significance.